The following is an entry in ClinVar:

NM_001099857.5(IKBKG):c.268_270del (p.Lys90del)

Gene: IKBKG (inhibitor of nuclear factor kappa B kinase regulatory subunit gamma; plus strand). Cytogenetic location: Xq28.
Variant type: Deletion.
Coding change: c.268_270del on transcript NM_001099857.5 (MANE Select); coding-DNA positions 268 to 270, 3 bases deleted (AAG; older notation c.268_270delAAG).
Protein change: p.Lys90del; deletes lysine 90.
Molecular consequence: inframe deletion. On other transcripts: inframe indel (1), non-coding transcript variant (1).
Genome position (GRCh38, 1-based): chrX:154,556,245-154,556,247, AAG deleted; deleting any 3 consecutive bases within chrX:154,556,243-154,556,247 gives the same sequence; the c. name uses the placement nearest the transcript's 3' end. VCF-style (leftmost placement, unchanged base first): chrX-154556242-GAGA-G. GRCh37 (hg19) VCF-style: chrX-153784457-GAGA-G.
Other names: c.472_474del, p.Lys158del (NM_001099856.6); c.268_270del, p.Lys90del (NM_001145255.4, NM_001321396.3, NM_001321397.3 and 5 more transcripts); c.268_270delAAG, p.Lys90del (NM_003639.3); short protein forms K158del, K90del.
Identifiers: ClinVar variation 2505650 (VCV002505650.1), dbSNP rs2523365593, ClinGen allele CA2580612531.

ClinVar aggregate classification (germline): Likely pathogenic (1 of 4 stars; one submission).

Submission:

GeneDx
Classification: Likely pathogenic. Last evaluated: 2022-12-19. Review status: criteria provided, single submitter. Criteria: GeneDx Variant Classification Process June 2021. Collection method: clinical testing. Allele origin: germline. Affected: yes.
Comment: In silico analysis supports a deleterious effect on protein structure/function; Not observed at significant frequency in large population cohorts (gnomAD); In-frame deletion of one amino acid in a non-repeat region; This variant is associated with the following publications: (PMID: 23398170, 15229184, 20529958)